The following is an entry in ClinVar:

Conditions:
Arteriohepatic dysplasia. Also called: Alagille Syndrome. Identifiers: Orphanet 52, MedGen C0085280, MeSH D016738, MONDO:0007318.

Submission:

Gilbert/Spinner Lab, Children's Hospital of Philadelphia
No classification provided (evidence only). Condition: Alagille syndrome. Review status: no classification provided. Collection method: research. Allele origin: not applicable. Functional consequence: functionally_abnormal.
ClinVar note: "not provided" was previously submitted as the classification for the variant. However, the classification appeared to be based only on an observation of functional data so it was converted to no classification on 2025-07-30.

NM_000214.3(JAG1):c.588C>G (p.Cys196Trp)

Gene: JAG1 (jagged canonical Notch ligand 1; minus strand). Cytogenetic location: 20p12.2.
Variant type: single nucleotide variant.
Coding change: c.588C>G on transcript NM_000214.3 (MANE Select); coding-DNA position 588, C replaced by G.
Protein change: p.Cys196Trp; replaces cysteine 196 with tryptophan.
Molecular consequence: missense variant.
Genome position (GRCh38, 1-based): chr20:10,658,574, G>C on the plus strand (C>G on the coding strand, the complement: JAG1 is on the minus strand). VCF-style: chr20-10658574-G-C. GRCh37 (hg19) VCF-style: chr20-10639222-G-C.
Other names: short protein forms C196W.
Identifiers: ClinVar variation 3573069 (VCV003573069.2).